The following continues an entry in ClinVar:

NM_000059.4(BRCA2):c.1244A>G (p.His415Arg)

Gene: BRCA2. ClinVar aggregate classification (germline): Conflicting classifications of pathogenicity. Uncertain significance (7); Likely benign (6).

Submissions 12 to 19 of 19:

Genetics and Molecular Pathology, SA Pathology
Classification: Uncertain significance for Breast-ovarian cancer, familial, susceptibility to, 2. Last evaluated: 2019-12-31. Review status: criteria provided, single submitter. Criteria: ACMG Guidelines, 2015. Collection method: clinical testing. Allele origin: germline. Inheritance: Autosomal dominant inheritance. Affected: yes.
Comment: Insufficient evidence

Color Diagnostics, LLC DBA Color Health
Classification: Likely benign for Hereditary cancer-predisposing syndrome. Last evaluated: 2017-09-14. Review status: criteria provided, single submitter. Criteria: ACMG Guidelines, 2015. Collection method: clinical testing. Allele origin: germline.

Department of Medical and Surgical Sciences, University of Bologna
Classification: Likely benign for Breast-ovarian cancer, familial, susceptibility to, 2. Last evaluated: 2023-09-01. Review status: no assertion criteria provided. Collection method: clinical testing. Allele origin: germline. Affected: yes. Not counted in ClinVar's aggregate classification.
Comment: BP1(Strong)+BP5(Moderate) according to ACMG/AMP classification guidelines specified for BRCA1 & BRCA2 (Classification Criteria V1.0.0 2023-09-08) (PMID: 38160042)

Counsyl
Classification: Uncertain significance for Breast-ovarian cancer, familial, susceptibility to, 2. Last evaluated: 2016-03-23. Review status: no assertion criteria provided. Collection method: clinical testing. Allele origin: unknown. Not counted in ClinVar's aggregate classification.

Foulkes Cancer Genetics LDI, Lady Davis Institute for Medical Research
Classification: Uncertain significance for Breast and/or ovarian cancer. Last evaluated: 2014-01-29. Review status: no assertion criteria provided. Collection method: clinical testing. Allele origin: germline. Study: The Canadian Open Genetics Repository (COGR). Not counted in ClinVar's aggregate classification.

Breast Cancer Information Core (BIC) (BRCA2)
Classification: Uncertain significance for Breast-ovarian cancer, familial 2. Last evaluated: 2003-12-23. Review status: no assertion criteria provided. Collection method: clinical testing. Allele origin: germline. Affected: yes. Observed: 1 variant allele. Not counted in ClinVar's aggregate classification.

Department of Clinical Pathology, School of Medicine, Fujita Health University
Classification: Likely benign for EBV-positive nodal T- and NK-cell lymphoma. Review status: no assertion criteria provided. Collection method: research. Allele origin: unknown. Affected: yes. Not counted in ClinVar's aggregate classification.

Department of Pathology and Laboratory Medicine, Sinai Health System
Classification: Likely benign for Breast-ovarian cancer, familial, susceptibility to, 2. Review status: no assertion criteria provided. Collection method: clinical testing. Allele origin: unknown. Affected: yes. Study: The Canadian Open Genetics Repository (COGR). Not counted in ClinVar's aggregate classification.
Comment: The BRCA2 p.His415Arg variant was identified in 2 of 1506 proband chromosomes (frequency: 0.001) from individuals or families with breast or ovarian cancer (Alemar 2017, Wong 2015). The variant was also identified in large population study by Momozawa (2018) in 5 of 14102 female chromosomes (frequency: 0.0004), and 7 in 22482 female control chromosomes (frequency: 0.0003) and 4 in 24980 male control chromosomes (frequency: 0.0002). The variant was also identified in dbSNP (ID: rs80358417) as "With Uncertain significance allele", ClinVar (classified as likely benign by Invitae and Color; as uncertain significance by six submitters), LOVD 3.0 (6x), and UMD-LSDB (9x as likely neutral). In UMD the variant was identified with a co-occurring pathogenic BRCA1 variant (c.3979C>T(p.Gln1327X)), increasing the likelihood that the p.His415Arg variant does not have clinical significance. The variant was identified in control databases in 5 of 275910 chromosomes at a frequency of 0.00002 (Genome Aggregation Database Feb 27, 2017). The variant was observed in the following populations: Other in 1 of 6428 chromosomes (freq: 0.0002), European in 4 of 126226 chromosomes (freq: 0.00003); it was not observed in the African, Latino, Ashkenazi Jewish, East Asian, Finnish, and South Asian populations. The p.His415 residue is conserved in mammals but not in more distantly related organisms however four out of five computational analyses (PolyPhen-2, SIFT, AlignGVGD, BLOSUM, MutationTaster) do not suggest a high likelihood of impact to the protein; this information is not predictive enough to rule out pathogenicity. The variant occurs outside of the splicing consensus sequence and in silico or computational prediction software programs (SpliceSiteFinder, MaxEntScan, NNSPLICE, GeneSplicer) do not predict a difference in splicing. In summary, based on the above information the clinical significance of this variant cannot be determined with certainty at this time although we would lean towards a more benign role for this variant. This variant is classified as likely benign.

Literature cited by the submitters: PubMed 25682074 (cited by 5 submitters); PubMed 29161300 (cited by 3 submitters); PubMed 30254663 (cited by 3 submitters); PubMed 30287823 (cited by 3 submitters); PubMed 33471991 (cited by 3 submitters); PubMed 35534704 (cited by Women's Health and Genetics/Laboratory Corporation of America, LabCorp and Quest Diagnostics Nichols Institute San Juan Capistrano); PubMed 28179634 (cited by Quest Diagnostics Nichols Institute San Juan Capistrano); PubMed 39335746 (cited by Quest Diagnostics Nichols Institute San Juan Capistrano); PubMed 37937776 (cited by Quest Diagnostics Nichols Institute San Juan Capistrano); PubMed 37731132 (cited by Quest Diagnostics Nichols Institute San Juan Capistrano); PubMed 34597585 (cited by Quest Diagnostics Nichols Institute San Juan Capistrano); PubMed 36243179 (cited by Quest Diagnostics Nichols Institute San Juan Capistrano); PubMed 31911673 (cited by Quest Diagnostics Nichols Institute San Juan Capistrano); PubMed 32438681 (cited by 3 submitters).